The following is an entry in ClinVar:

NM_001377540.1(SLMAP):c.808A>G (p.Arg270Gly)

Gene: SLMAP (sarcolemma associated protein; plus strand). Cytogenetic location: 3p14.3.
Variant type: single nucleotide variant.
Coding change: c.808A>G on transcript NM_001377540.1 (MANE Select); coding-DNA position 808, A replaced by G.
Protein change: p.Arg270Gly; replaces arginine 270 with glycine.
Molecular consequence: missense variant. On other transcripts: non-coding transcript variant (1).
Genome position (GRCh38, 1-based): chr3:57,860,819, A>G. VCF-style: chr3-57860819-A-G. GRCh37 (hg19) VCF-style: chr3-57846546-A-G.
Other names: c.808A>G, p.Arg270Gly (NM_001304420.3, NM_001304421.2, NM_001377538.1 and 17 more transcripts); short protein forms R270G.
Identifiers: ClinVar variation 1761927 (VCV001761927.2), dbSNP rs2095014682, ClinGen allele CA353407732.

ClinVar aggregate classification (germline): Uncertain significance (1 of 4 stars; one submission).

Allele frequency attached by ClinVar (database versions not stated): gnomAD exomes below 0.00001; TOPMed below 0.00001.

Submission:

Ambry Genetics
Classification: Uncertain significance. Last evaluated: 2021-10-13. Review status: criteria provided, single submitter. Criteria: Ambry Variant Classification Scheme 2023. Collection method: clinical testing. Allele origin: germline.
Comment: The p.R270G variant (also known as c.808A>G), located in coding exon 8 of the SLMAP gene, results from an A to G substitution at nucleotide position 808. The arginine at codon 270 is replaced by glycine, an amino acid with dissimilar properties. This amino acid position is conserved. In addition, this alteration is predicted to be deleterious by in silico analysis. Since supporting evidence is limited at this time, the clinical significance of this alteration remains unclear.